The following is an entry in ClinVar:

ClinVar aggregate classification (germline): Uncertain significance. Review status: criteria provided, multiple submitters, no conflicts (2 of 4 stars). 4 submissions from 3 submitters: Uncertain significance (4). Last evaluated 2022-01-19.

Conditions:
ALS2-related disorder. Also called: ALS2-related disorders; ALS2-related condition; ALS2-Related Spectrum Disorders. Identifiers: MedGen CN169291.
Infantile-onset ascending hereditary spastic paralysis (IAHSP). Also called: Autosomal Recessive Juvenile Amyotrophic Lateral Sclerosis; Infantile-Onset Ascending Hereditary Spastic Paralysis (IAHSP). Identifiers: Orphanet 293168, MedGen C2931441, MONDO:0011797, OMIM 607225. Disease mechanism: loss of function.
Amyotrophic lateral sclerosis type 2, juvenile. Also called: ALS, JUVENILE; Amyotrophic lateral sclerosis type 2. Identifiers: Orphanet 300605, MedGen C1859807, MONDO:0008780, OMIM 205100.

Allele frequency attached by ClinVar (database versions not stated): TOPMed below 0.00001; gnomAD 0.00003; ExAC 0.00002; gnomAD exomes 0.00002.
gnomAD v4.1: 42 of 1,613,740 alleles (0.0026%); highest among the groups gnomAD compares: Non-Finnish European, 0.0034%; no homozygotes.

Submissions (4):

Athena Diagnostics
Classification: Uncertain significance. Last evaluated: 2022-01-19. Review status: criteria provided, single submitter. Criteria: Athena Diagnostics Criteria. Collection method: clinical testing. Allele origin: unknown.

Labcorp Genetics (formerly Invitae), Labcorp
Classification: Uncertain significance for Infantile-onset ascending hereditary spastic paralysis. Last evaluated: 2022-01-16. Review status: criteria provided, single submitter. Criteria: Invitae Variant Classification Sherloc (09022015). Collection method: clinical testing. Allele origin: germline.
Comment: This sequence change replaces arginine, which is basic and polar, with glutamine, which is neutral and polar, at codon 1139 of the ALS2 protein (p.Arg1139Gln). This variant is present in population databases (rs761444982, gnomAD 0.004%). This variant has not been reported in the literature in individuals affected with ALS2-related conditions. ClinVar contains an entry for this variant (Variation ID: 895078). Algorithms developed to predict the effect of missense changes on protein structure and function are either unavailable or do not agree on the potential impact of this missense change (SIFT: "Deleterious"; PolyPhen-2: "Possibly Damaging"; Align-GVGD: "Class C0"). In summary, the available evidence is currently insufficient to determine the role of this variant in disease. Therefore, it has been classified as a Variant of Uncertain Significance.

Illumina Laboratory Services, Illumina
Classification: Uncertain significance for ALS2-Related Disorders. Last evaluated: 2017-04-27. Review status: criteria provided, single submitter. Criteria: ICSL Variant Classification Criteria 13 December 2019. Collection method: clinical testing. Allele origin: germline.
Comment: This variant was observed as part of a predisposition screen in an ostensibly healthy population. A literature search was performed for the gene, cDNA change, and amino acid change (where applicable). Publications were found based on this search. However, the evidence from the literature, in combination with allele frequency data from public databases where available, was not sufficient to rule this variant in or out of causing disease. Therefore, this variant is classified as a variant of unknown significance.

Illumina Laboratory Services, Illumina
Classification: Uncertain significance for Amyotrophic lateral sclerosis type 2. Last evaluated: 2017-04-27. Review status: criteria provided, single submitter. Criteria: ICSL Variant Classification Criteria 13 December 2019. Collection method: clinical testing. Allele origin: germline.
Comment: the same text as in the submission from Illumina Laboratory Services, Illumina above.

Literature cited by the submitters: PubMed 27159321 (cited by Illumina Laboratory Services, Illumina).

NM_020919.4(ALS2):c.3416G>A (p.Arg1139Gln)

Gene: ALS2 (alsin Rho guanine nucleotide exchange factor ALS2; minus strand). Cytogenetic location: 2q33.1.
Variant type: single nucleotide variant.
Coding change: c.3416G>A on transcript NM_020919.4 (MANE Select); coding-DNA position 3416, G replaced by A.
Protein change: p.Arg1139Gln; replaces arginine 1139 with glutamine.
Molecular consequence: missense variant.
Genome position (GRCh38, 1-based): chr2:201,724,391, C>T on the plus strand (G>A on the coding strand, the complement: ALS2 is on the minus strand). VCF-style: chr2-201724391-C-T. GRCh37 (hg19) VCF-style: chr2-202589114-C-T.
Other names: short protein forms R1139Q.
Identifiers: ClinVar variation 895078 (VCV000895078.10), dbSNP rs761444982, ClinGen allele CA2057885.